The following is an entry in ClinVar:

ClinVar aggregate classification (germline): Likely benign. Review status: criteria provided, multiple submitters, no conflicts (2 of 4 stars). 3 submissions from 3 submitters: Likely benign (2). 1 of the submissions does not count toward it. Last evaluated 2025-10-08.

Conditions:
APP-related disorder. Also called: APP-related condition.
Alzheimer disease. Also called: Presenile and senile dementia; Alzheimer's disease. Identifiers: Orphanet 1020, MedGen C0002395, MeSH D000544, MONDO:0004975, HP:0002511.

Allele frequency attached by ClinVar (database versions not stated): gnomAD 0.00003 and 0.00004; TOPMed 0.00005; ExAC 0.00006; ESP Exome Variant Server 0.00008; gnomAD exomes 0.00010 and 0.00018.
gnomAD v4.1: 274 of 1,613,972 alleles (0.017%); highest among the groups gnomAD compares: Non-Finnish European, 0.022%; 1 homozygote.

Submissions (3):

Labcorp Genetics (formerly Invitae), Labcorp
Classification: Likely benign for Alzheimer disease. Last evaluated: 2025-10-08. Review status: criteria provided, single submitter. Criteria: Invitae Variant Classification Sherloc (09022015). Collection method: clinical testing. Allele origin: germline.

Mayo Clinic Laboratories, Mayo Clinic
Classification: Likely benign. Last evaluated: 2025-09-15. Review status: criteria provided, single submitter. Criteria: ACMG Guidelines, 2015. Collection method: clinical testing. Allele origin: germline. Observed: 1 variant allele.
Comment: BP4, BP7

PreventionGenetics, part of Exact Sciences
Classification: Likely benign for APP-related condition. Last evaluated: 2023-11-22. Review status: no assertion criteria provided. Collection method: clinical testing. Allele origin: germline. Not counted in ClinVar's aggregate classification.
Comment: This variant is classified as likely benign based on ACMG/AMP sequence variant interpretation guidelines (Richards et al. 2015 PMID: 25741868, with internal and published modifications).

NM_000484.4(APP):c.186C>T (p.Cys62=)

Gene: APP (amyloid beta precursor protein; minus strand). Cytogenetic location: 21q21.3.
Variant type: single nucleotide variant.
Coding change: c.186C>T on transcript NM_000484.4 (MANE Select); coding-DNA position 186, C replaced by T.
Protein change: p.Cys62=; no amino-acid change (cysteine 62 retained).
Molecular consequence: synonymous variant. On other transcripts: intron variant (2).
Genome position (GRCh38, 1-based): chr21:26,112,018, G>A on the plus strand (C>T on the coding strand, the complement: APP is on the minus strand). VCF-style: chr21-26112018-G-A. GRCh37 (hg19) VCF-style: chr21-27484335-G-A.
Other names: p.Cys62=; c.171C>T, p.Cys57= (NM_001136016.3); c.81C>T, p.Cys27= (NM_001136131.3); c.186C>T, p.Cys62= (NM_001204301.2, NM_001204302.2, NM_001204303.2 and 3 more transcripts); c.58-21946C>T (NM_001136129.3, NM_001136130.3); c.186C>T (NM_000484.3).
Identifiers: ClinVar variation 1082481 (VCV001082481.12), dbSNP rs201970902, ClinGen allele CA9987739.